The following is an entry in ClinVar:

NM_145868.2(ANXA11):c.1235G>A (p.Arg412Gln)

Genes: ANXA11 (annexin A11; minus strand), LOC126860977 (CDK7 strongly-dependent group 2 enhancer GRCh37_chr10:81917938-81919137; plus strand). Cytogenetic location: 10q22.3.
Variant type: single nucleotide variant.
Coding change: c.1235G>A on transcript NM_145868.2 (MANE Select); coding-DNA position 1235, G replaced by A.
Protein change: p.Arg412Gln; replaces arginine 412 with glutamine.
Molecular consequence: missense variant.
Genome position (GRCh38, 1-based): chr10:80,159,141, C>T on the plus strand (G>A on the coding strand, the complement: ANXA11 is on the minus strand). VCF-style: chr10-80159141-C-T. GRCh37 (hg19) VCF-style: chr10-81918897-C-T.
Other names: c.1235G>A, p.Arg412Gln (NM_001157.3, NM_001278407.2, NM_001278408.2 and 1 more transcripts); c.1136G>A, p.Arg379Gln (NM_001278409.2); short protein forms R379Q, R412Q.
Identifiers: ClinVar variation 2600847 (VCV002600847.5), dbSNP rs768043334, ClinGen allele CA5575858.

ClinVar aggregate classification (germline): Uncertain significance. Review status: criteria provided, multiple submitters, no conflicts (2 of 4 stars). 2 submissions from 2 submitters: Uncertain significance (2). Last evaluated 2025-02-20.

Conditions:
Inborn genetic diseases. Identifiers: MedGen C0950123, MeSH D030342.

Allele frequency attached by ClinVar (database versions not stated): ExAC 0.00002; gnomAD 0.00002; gnomAD exomes 0.00002; TOPMed 0.00001.
gnomAD v4.1: 30 of 1,614,010 alleles (0.0019%); highest among the groups gnomAD compares: Admixed American, 0.0067%; no homozygotes.

Submissions (2):

Labcorp Genetics (formerly Invitae), Labcorp
Classification: Uncertain significance. Last evaluated: 2025-02-20. Review status: criteria provided, single submitter. Criteria: Invitae Variant Classification Sherloc (09022015). Collection method: clinical testing. Allele origin: germline.
Comment: This sequence change replaces arginine, which is basic and polar, with glutamine, which is neutral and polar, at codon 412 of the ANXA11 protein (p.Arg412Gln). This variant is present in population databases (rs768043334, gnomAD 0.009%). This variant has not been reported in the literature in individuals affected with ANXA11-related conditions. ClinVar contains an entry for this variant (Variation ID: 2600847). An algorithm developed to predict the effect of missense changes on protein structure and function (PolyPhen-2) suggests that this variant is likely to be disruptive. In summary, the available evidence is currently insufficient to determine the role of this variant in disease. Therefore, it has been classified as a Variant of Uncertain Significance.

Ambry Genetics
Classification: Uncertain significance for Inborn genetic diseases. Last evaluated: 2023-06-22. Review status: criteria provided, single submitter. Criteria: Ambry Variant Classification Scheme 2023. Collection method: clinical testing. Allele origin: germline.